The following is an entry in ClinVar:

NM_206933.4(USH2A):c.14454G>A (p.Pro4818=)

Gene: USH2A (usherin; minus strand). Cytogenetic location: 1q41.
Variant type: single nucleotide variant.
Coding change: c.14454G>A on transcript NM_206933.4 (MANE Select); coding-DNA position 14454, G replaced by A.
Protein change: p.Pro4818=; no amino-acid change (proline 4818 retained).
Molecular consequence: synonymous variant.
Genome position (GRCh38, 1-based): chr1:215,648,656, C>T on the plus strand (G>A on the coding strand, the complement: USH2A is on the minus strand). VCF-style: chr1-215648656-C-T. GRCh37 (hg19) VCF-style: chr1-215821998-C-T.
Identifiers: ClinVar variation 177925 (VCV000177925.32), dbSNP rs137902779, ClinGen allele CA181013.
Genomic context (GRCh38, chr1:215,648,656, plus strand): 5'-CCCGATTTGTGGAGAGGACAGTCCTGAGGGTGGGGCAGGATGGGTTCTCAGTTCAGCTGT[C>T]GGTCCTTTGCTGCAACAGTTGAAGCAGGTGCAGGCCTCTACTCCAATAGAGTAGTTAGTG-3'
Protein context (NP_996816.3, residues 4808-4828): CTCFNCCSKG[Pro4818=]TAELRTHPAP

ClinVar aggregate classification (germline): Benign/Likely benign. Review status: criteria provided, multiple submitters, no conflicts (2 of 4 stars). 10 submissions from 9 submitters: Benign (3); Likely benign (4). 3 of the submissions do not count toward it. Last evaluated 2026-01-31.

Conditions:
Usher syndrome type 2A. Also called: USHER SYNDROME, TYPE IIA; RETINAL DISEASE IN USHER SYNDROME TYPE IIA, MODIFIER OF. Identifiers: Orphanet 231178, Orphanet 886, MedGen C1848634, MONDO:0010169, OMIM 276901.
Retinitis pigmentosa 39 (RP39). Identifiers: Orphanet 791, MedGen C3151138, MONDO:0013436, OMIM 613809.

Allele frequency attached by ClinVar (database versions not stated): ExAC 0.00110; 1000 Genomes Project 0.00240; 1000 Genomes Project 30x 0.00281; gnomAD 0.00293; TOPMed 0.00343; ESP Exome Variant Server 0.00415.
gnomAD v4.1: 968 of 1,614,150 alleles (0.06%); highest among the groups gnomAD compares: African/African-American, 1.2%; 7 homozygotes.

Submissions (10):

Labcorp Genetics (formerly Invitae), Labcorp
Classification: Benign. Last evaluated: 2026-01-31. Review status: criteria provided, single submitter. Criteria: Invitae Variant Classification Sherloc (09022015). Collection method: clinical testing. Allele origin: germline.

Blueprint Genetics
Classification: Likely benign. Last evaluated: 2024-10-16. Review status: criteria provided, single submitter. Criteria: ACMG Guidelines, 2015. Collection method: clinical testing. Allele origin: germline.

Genome-Nilou Lab
Classification: Likely benign for Retinitis pigmentosa 39. Last evaluated: 2023-11-04. Review status: criteria provided, single submitter. Criteria: ACMG Guidelines, 2015. Collection method: clinical testing. Allele origin: germline. Affected: no.

Genome-Nilou Lab
Classification: Likely benign for Usher syndrome type 2A. Last evaluated: 2023-11-04. Review status: criteria provided, single submitter. Criteria: ACMG Guidelines, 2015. Collection method: clinical testing. Allele origin: germline. Affected: no.

GeneDx
Classification: Likely benign. Last evaluated: 2020-10-29. Review status: criteria provided, single submitter. Criteria: GeneDx Variant Classification Process June 2021. Collection method: clinical testing. Allele origin: germline. Affected: yes.

ARUP Laboratories, Molecular Genetics and Genomics, ARUP Laboratories
Classification: Benign. Last evaluated: 2019-03-08. Review status: criteria provided, single submitter. Criteria: ARUP Molecular Germline Variant Investigation Process. Collection method: clinical testing. Allele origin: germline.

Laboratory for Molecular Medicine, Mass General Brigham Personalized Medicine
Classification: Benign. Last evaluated: 2010-07-26. Review status: criteria provided, single submitter. Criteria: LMM Criteria. Collection method: clinical testing. Allele origin: germline. Observed: 4 variant alleles.
Comment: p.Pro4818Pro in Exon 66 of USH2A: This variant is not expected to have clinical significance because it does not alter an amino acid residue, is not located wit hin the splice consensus sequence, and has been identified in 1.1% (42/3738) of African American chromosomes from a broad population by the NHLBI Exome Sequenci ng Project (dbSNP rs137902779).

Natera, Inc.
Classification: Likely benign for Usher syndrome type 2A. Last evaluated: 2019-12-09. Review status: no assertion criteria provided. Collection method: clinical testing. Allele origin: germline. Not counted in ClinVar's aggregate classification.

Clinical Genetics DNA and cytogenetics Diagnostics Lab, Erasmus MC, Erasmus Medical Center
Classification: Benign. Review status: no assertion criteria provided. Collection method: clinical testing. Allele origin: germline. Affected: yes. Study: VKGL Data-share Consensus. Not counted in ClinVar's aggregate classification.

Clinical Genetics, Academic Medical Center
Classification: Likely benign. Review status: no assertion criteria provided. Collection method: clinical testing. Allele origin: germline. Affected: yes. Study: VKGL Data-share Consensus. Not counted in ClinVar's aggregate classification.